The following is an entry in ClinVar:

NM_012388.4(BLOC1S6):c.88A>C (p.Ser30Arg)

Gene: BLOC1S6 (biogenesis of lysosomal organelles complex 1 subunit 6; plus strand). Cytogenetic location: 15q21.1.
Variant type: single nucleotide variant.
Coding change: c.88A>C on transcript NM_012388.4 (MANE Select); coding-DNA position 88, A replaced by C.
Protein change: p.Ser30Arg; replaces serine 30 with arginine.
Molecular consequence: missense variant. On other transcripts: non-coding transcript variant (5).
Genome position (GRCh38, 1-based): chr15:45,592,140, A>C. VCF-style: chr15-45592140-A-C. GRCh37 (hg19) VCF-style: chr15-45884338-A-C.
Other names: c.103A>C, p.Ser35Arg (NM_001311255.1, NM_001311256.1); short protein forms S30R, S35R.
Identifiers: ClinVar variation 1923213 (VCV001923213.2), dbSNP rs1346795032, ClinGen allele CA392298566.

ClinVar aggregate classification (germline): Uncertain significance (1 of 4 stars; one submission).

Conditions:
Hermansky-Pudlak syndrome 9 (HPS9). Identifiers: Orphanet 280663, Orphanet 79430, MedGen C3280026, MONDO:0013606, OMIM 614171.

Allele frequency attached by ClinVar (database versions not stated): TOPMed below 0.00001; gnomAD 0.00001; gnomAD exomes 0.00001.
gnomAD v4.1: 5 of 1,614,006 alleles (0.00031%); highest among the groups gnomAD compares: Non-Finnish European, 0.00042%; no homozygotes.

Submission:

Labcorp Genetics (formerly Invitae), Labcorp
Classification: Uncertain significance for Hermansky-Pudlak syndrome 9. Last evaluated: 2022-07-15. Review status: criteria provided, single submitter. Criteria: Invitae Variant Classification Sherloc (09022015). Collection method: clinical testing. Allele origin: germline.
Comment: This sequence change replaces serine, which is neutral and polar, with arginine, which is basic and polar, at codon 30 of the BLOC1S6 protein (p.Ser30Arg). This variant is present in population databases (no rsID available, gnomAD 0.0009%). This variant has not been reported in the literature in individuals affected with BLOC1S6-related conditions. Algorithms developed to predict the effect of missense changes on protein structure and function output the following: SIFT: "Tolerated"; PolyPhen-2: "Benign"; Align-GVGD: "Class C0". The arginine amino acid residue is found in multiple mammalian species, which suggests that this missense change does not adversely affect protein function. Algorithms developed to predict the effect of sequence changes on RNA splicing suggest that this variant may create or strengthen a splice site. In summary, the available evidence is currently insufficient to determine the role of this variant in disease. Therefore, it has been classified as a Variant of Uncertain Significance.